The following is an entry in ClinVar:

ClinVar aggregate classification (germline): Pathogenic/Likely pathogenic. Review status: criteria provided, multiple submitters, no conflicts (2 of 4 stars). 3 submissions from 3 submitters: Pathogenic (1); Likely pathogenic (2). Last evaluated 2025-01-09.

Conditions:
Pulmonary fibrosis and/or bone marrow failure, Telomere-related, 3. Also called: PULMONARY FIBROSIS AND/OR BONE MARROW FAILURE SYNDROME, TELOMERE-RELATED, 3. Identifiers: Orphanet 2032, MedGen C4225346, MONDO:0014613, OMIM 616373.
Dyskeratosis congenita, autosomal recessive 5 (DKCB5). Identifiers: MedGen C3554656, MONDO:0014076, OMIM 615190.
Dyskeratosis congenita. Identifiers: Orphanet 1775, MedGen C0265965, MONDO:0015780.

Allele frequency attached by ClinVar (database versions not stated): TOPMed 0.00001.

Submissions (3):

Natera, Inc.
Classification: Likely pathogenic for Dyskeratosis congenita. Last evaluated: 2025-01-09. Review status: criteria provided, single submitter. Criteria: Natera Variant Classification Schema (03/2026). Collection method: clinical testing. Allele origin: germline.
Comment: The c.1417C>T variant in RTEL1 is a nonsense variant predicted to introduce a stop codon at amino acid 473. This variant is expected to result in nonsense mediated decay, truncation, or a dysfunctional protein product. This variant is rare in the general population with a frequency below the threshold expected for the associated phenotype(s). Given the available evidence, this variant is classified as Likely Pathogenic.

Baylor Genetics
Classification: Likely pathogenic for Dyskeratosis congenita, autosomal recessive 5. Last evaluated: 2023-12-07. Review status: criteria provided, single submitter. Criteria: ACMG Guidelines, 2015. Collection method: clinical testing. Allele origin: unknown.

Labcorp Genetics (formerly Invitae), Labcorp
Classification: Pathogenic for Dyskeratosis congenita, autosomal recessive 5; Pulmonary fibrosis and/or bone marrow failure, Telomere-related, 3. Last evaluated: 2023-01-13. Review status: criteria provided, single submitter. Criteria: Invitae Variant Classification Sherloc (09022015). Collection method: clinical testing. Allele origin: germline.
Comment: This sequence change creates a premature translational stop signal (p.Arg449*) in the RTEL1 gene. It is expected to result in an absent or disrupted protein product. Loss-of-function variants in RTEL1 are known to be pathogenic (PMID: 23453664, 23959892, 25607374). This variant is not present in population databases (gnomAD no frequency). This variant has not been reported in the literature in individuals affected with RTEL1-related conditions. Algorithms developed to predict the effect of sequence changes on RNA splicing suggest that this variant may create or strengthen a splice site. For these reasons, this variant has been classified as Pathogenic.

Literature cited by the submitters: PubMed 23453664 (cited by Labcorp Genetics (formerly Invitae), Labcorp); PubMed 23959892 (cited by Labcorp Genetics (formerly Invitae), Labcorp); PubMed 25607374 (cited by Labcorp Genetics (formerly Invitae), Labcorp).

NM_001283009.2(RTEL1):c.1345C>T (p.Arg449Ter)

Genes: RTEL1-TNFRSF6B (RTEL1-TNFRSF6B readthrough (NMD candidate); plus strand), RTEL1 (regulator of telomere elongation helicase 1; plus strand). Cytogenetic location: 20q13.33.
Variant type: single nucleotide variant.
Coding change: c.1345C>T on transcript NM_001283009.2 (MANE Select); coding-DNA position 1345, C replaced by T.
Protein change: p.Arg449Ter; replaces arginine 449 with a stop codon.
Molecular consequence: nonsense. On other transcripts: non-coding transcript variant (1).
Genome position (GRCh38, 1-based): chr20:63,685,869, C>T. VCF-style: chr20-63685869-C-T. GRCh37 (hg19) VCF-style: chr20-62317222-C-T.
Other names: c.676C>T, p.Arg226Ter (NM_001283010.1); c.1345C>T, p.Arg449Ter (NM_016434.4); c.1417C>T, p.Arg473Ter (NM_032957.5); c.1417C>T (NM_032957.4); short protein forms R226*, R449*, R473*.
Identifiers: ClinVar variation 2942709 (VCV002942709.6), dbSNP rs2090581105, ClinGen allele CA409676119.